The following is an entry in ClinVar:

NM_004036.5(ADCY3):c.1007G>A (p.Ser336Asn)

Gene: ADCY3 (adenylate cyclase 3; minus strand). Cytogenetic location: 2p23.3.
Variant type: single nucleotide variant.
Coding change: c.1007G>A on transcript NM_004036.5 (MANE Select); coding-DNA position 1007, G replaced by A.
Protein change: p.Ser336Asn; replaces serine 336 with asparagine.
Molecular consequence: missense variant.
Genome position (GRCh38, 1-based): chr2:24,841,617, C>T on the plus strand (G>A on the coding strand, the complement: ADCY3 is on the minus strand). VCF-style: chr2-24841617-C-T. GRCh37 (hg19) VCF-style: chr2-25064486-C-T.
Other names: c.1007G>A, p.Ser336Asn (NM_001320613.2, NM_001377128.1, NM_001377129.1 and 2 more transcripts); c.284G>A, p.Ser95Asn (NM_001377131.1); short protein forms S336N, S95N.
Identifiers: ClinVar variation 4985721 (VCV004985721.1).

ClinVar aggregate classification (germline): Uncertain significance (1 of 4 stars; one submission).

Conditions:
ADCY3-related disorder. Also called: ADCY3-related condition.

Submission:

PreventionGenetics, part of Exact Sciences
Classification: Uncertain significance for ADCY3-related condition. Last evaluated: 2025-12-12. Review status: criteria provided, single submitter. Criteria: ACMG Guidelines, 2015. Collection method: clinical testing. Allele origin: germline.
Comment: The ADCY3 c.1007G>A variant is predicted to result in the amino acid substitution p.Ser336Asn. To our knowledge, this variant has not been reported in the literature or in a large population database (gnomAD), indicating this variant is rare. At this time, the clinical significance of this variant is uncertain due to the absence of conclusive functional and genetic evidence.